The following is an entry in ClinVar:

NM_000202.8(IDS):c.240+1G>A

Gene: IDS (iduronate 2-sulfatase; minus strand). Cytogenetic location: Xq28.
Variant type: single nucleotide variant.
Coding change: c.240+1G>A on transcript NM_000202.8 (MANE Select); the canonical splice donor site of the intron after coding-DNA position 240, G replaced by A.
Molecular consequence: splice donor variant.
Genome position (GRCh38, 1-based): chrX:149,504,156, C>T on the plus strand (G>A on the coding strand, the complement: IDS is on the minus strand). VCF-style: chrX-149504156-C-T. GRCh37 (hg19) VCF-style: chrX-148585686-C-T.
Other names: c.240+1G>A (NM_000202.7, NM_006123.5); c.14+1G>A (NM_001166550.4).
Identifiers: ClinVar variation 3256108 (VCV003256108.3).

ClinVar aggregate classification (germline): Pathogenic. Review status: criteria provided, multiple submitters, no conflicts (2 of 4 stars). 2 submissions from 2 submitters: Pathogenic (2). Last evaluated 2025-07-18.

Conditions:
IDS-related disorder. Also called: IDS-related condition.
Mucopolysaccharidosis, MPS-II (MPS2). Also called: IDS deficiency; Sulfoiduronate sulfatase deficiency; SIDS deficiency; Mucopolysaccharidosis type 2; Mucopolysaccharidosis with skin involvement; Attenuated MPS (subtype; formerly known as mild MPS II). Identifiers: Orphanet 580, Orphanet 79388, MedGen C0026705, MONDO:0010674, OMIM 309900.

Submissions (2):

PreventionGenetics, part of Exact Sciences
Classification: Pathogenic for IDS-related condition. Last evaluated: 2025-07-18. Review status: criteria provided, single submitter. Criteria: ACMG Guidelines, 2015. Collection method: clinical testing. Allele origin: germline.
Comment: The IDS c.240+1G>A variant is predicted to disrupt the GT donor site and interfere with normal splicing. This variant has been reported in four individuals with Mucopolysaccharidosis II (Table 1. Froissart et al. 1998. PubMed ID: 9660053; Chkioua et al. 2020. PubMed ID: 32448126; Table 2. Uttarilli et al. 2016. PubMed ID: 27146977; Table 1. Sohn et al. 2011. PubMed ID: 21291454). This variant has not been reported in a large population database (gnomAD), indicating this variant is rare. Variants that disrupt the consensus splice donor site in IDS are expected to be pathogenic. This variant is interpreted as pathogenic.

Laboratory of Diagnosis and Therapy of Lysosomal Disorders, University of Padova
Classification: Pathogenic for Mucopolysaccharidosis, MPS-II. Last evaluated: 2024-06-07. Review status: criteria provided, single submitter. Criteria: ACMG Guidelines, 2015. Collection method: literature only. Allele origin: germline. Affected: yes. Observed: 5 variant alleles.
Comment: Null variant (PVS1_VeryStrong), Prevalence of the variant significantly increased in affected individuals compared with controls (PS4_Supporting), Absent from controls (or at low frequency) in gnomAD database (PM2_Moderate), Patient’s phenotype or family history highly specific for the disease (PP4_Strong)

Classification method: ACMG Guidelines [PMID:25741868] with modifications

Literature cited by the submitters: PubMed 32448126 (cited by Laboratory of Diagnosis and Therapy of Lysosomal Disorders, University of Padova); PubMed 9660053 (cited by Laboratory of Diagnosis and Therapy of Lysosomal Disorders, University of Padova); PubMed 21291454 (cited by Laboratory of Diagnosis and Therapy of Lysosomal Disorders, University of Padova); PubMed 27146977 (cited by Laboratory of Diagnosis and Therapy of Lysosomal Disorders, University of Padova); PubMed 36945845 (cited by Laboratory of Diagnosis and Therapy of Lysosomal Disorders, University of Padova).